The following is an entry in ClinVar:

ClinVar aggregate classification (germline): Uncertain significance (1 of 4 stars; one submission).

Conditions:
Hereditary sensory and autonomic neuropathy type 6. Also called: HSAN VI; Neuropathy, hereditary sensory and autonomic, type VI. Identifiers: Orphanet 314381, MedGen C3539003, MONDO:0013839, OMIM 614653.
Epidermolysis bullosa simplex 3, localized or generalized intermediate, with BP230 deficiency (EBS3). Also called: Epidermolysis bullosa simplex due to BP230 deficiency; Epidermolysis bullosa simplex, autosomal recessive 2. Identifiers: Orphanet 412181, MedGen C3809470, MONDO:0014180, OMIM 615425.

Allele frequency attached by ClinVar (database versions not stated): TOPMed below 0.00001; ExAC 0.00001; gnomAD 0.00001.
gnomAD v4.1: 4 of 1,613,116 alleles (0.00025%); highest among the groups gnomAD compares: Non-Finnish European, 0.00034%; no homozygotes.

Submission:

Labcorp Genetics (formerly Invitae), Labcorp
Classification: Uncertain significance for Epidermolysis bullosa simplex 3, localized or generalized intermediate, with BP230 deficiency; Hereditary sensory and autonomic neuropathy type 6. Last evaluated: 2022-07-13. Review status: criteria provided, single submitter. Criteria: Invitae Variant Classification Sherloc (09022015). Collection method: clinical testing. Allele origin: germline.
Comment: The DST gene has multiple clinically relevant transcripts. This variant occurs in alternate transcript NM_015548.4, and corresponds to NM_001723.5:c.*85532G>A in the primary transcript. This sequence change replaces alanine, which is neutral and non-polar, with threonine, which is neutral and polar, at codon 3130 of the DST protein (p.Ala3130Thr). This variant is present in population databases (rs756246233, gnomAD 0.0009%). This variant has not been reported in the literature in individuals affected with DST-related conditions. Experimental studies and prediction algorithms are not available or were not evaluated, and the functional significance of this variant is currently unknown. In summary, the available evidence is currently insufficient to determine the role of this variant in disease. Therefore, it has been classified as a Variant of Uncertain Significance.

NM_001374736.1(DST):c.17257G>A (p.Ala5753Thr)

Gene: DST (dystonin; minus strand). Cytogenetic location: 6p12.1.
Variant type: single nucleotide variant.
Coding change: c.17257G>A on transcript NM_001374736.1 (MANE Select); coding-DNA position 17257, G replaced by A.
Protein change: p.Ala5753Thr; replaces alanine 5753 with threonine.
Molecular consequence: missense variant.
Genome position (GRCh38, 1-based): chr6:56,529,985, C>T on the plus strand (G>A on the coding strand, the complement: DST is on the minus strand). VCF-style: chr6-56529985-C-T. GRCh37 (hg19) VCF-style: chr6-56394783-C-T.
Other names: c.10900G>A, p.Ala3634Thr (NM_001144769.5); c.10486G>A, p.Ala3496Thr (NM_001144770.2); c.17257G>A, p.Ala5753Thr (NM_001374722.1); c.16624G>A, p.Ala5542Thr (NM_001374729.1); c.10366G>A, p.Ala3456Thr (NM_001374730.1, NM_001386100.1, NM_183380.4); c.17284G>A, p.Ala5762Thr (NM_001374734.1); c.9388G>A, p.Ala3130Thr (NM_015548.5); short protein forms A3456T, A3496T, A5762T, A3130T, A5753T, A5542T, A3634T.
Identifiers: ClinVar variation 2153794 (VCV002153794.4), dbSNP rs756246233, ClinGen allele CA3867483.